The following is an entry in ClinVar:

NM_003097.6(SNRPN):c.331G>A (p.Gly111Ser)

Genes: SNHG14 (small nucleolar RNA host gene 14; plus strand), SNRPN (small nuclear ribonucleoprotein polypeptide N; plus strand), SNURF (SNRPN upstream open reading frame; plus strand). Cytogenetic location: 15q11.2.
Variant type: single nucleotide variant.
Coding change: c.331G>A on transcript NM_003097.6 (MANE Select); coding-DNA position 331, G replaced by A.
Protein change: p.Gly111Ser; replaces glycine 111 with serine.
Molecular consequence: missense variant. On other transcripts: 3 prime UTR variant (1), non-coding transcript variant (1).
Genome position (GRCh38, 1-based): chr15:24,976,940, G>A. VCF-style: chr15-24976940-G-A. GRCh37 (hg19) VCF-style: chr15-25222087-G-A.
Other names: c.331G>A, p.Gly111Ser (NM_001349460.2, NM_001349461.2, NM_001349462.2 and 99 more transcripts); c.343G>A, p.Gly115Ser (NM_001378251.1, NM_001378252.1, NM_001378253.1 and 2 more transcripts); c.*519G>A (NM_005678.5); c.307G>A, p.Gly103Ser (NM_001400767.1, NM_001378256.1, NM_001378257.1); c.67G>A, p.Gly23Ser (NM_001400768.1); short protein forms G103S, G111S, G115S, G23S.
Identifiers: ClinVar variation 3390719 (VCV003390719.1).

ClinVar aggregate classification (germline): Uncertain significance (1 of 4 stars; one submission).

Submission:

GeneDx
Classification: Uncertain significance. Last evaluated: 2024-06-07. Review status: criteria provided, single submitter. Criteria: GeneDx Variant Classification Process June 2021. Collection method: clinical testing. Allele origin: germline. Affected: yes.
Comment: Not observed at significant frequency in large population cohorts (gnomAD); In silico analysis supports that this missense variant has a deleterious effect on protein structure/function; Has not been previously published as pathogenic or benign to our knowledge